The following is an entry in ClinVar:

NM_000017.4(ACADS):c.1066G>A (p.Ala356Thr)

Gene: ACADS (acyl-CoA dehydrogenase short chain; plus strand). Cytogenetic location: 12q24.31.
Variant type: single nucleotide variant.
Coding change: c.1066G>A on transcript NM_000017.4 (MANE Select); coding-DNA position 1066, G replaced by A.
Protein change: p.Ala356Thr; replaces alanine 356 with threonine.
Molecular consequence: missense variant.
Genome position (GRCh38, 1-based): chr12:120,739,176, G>A. VCF-style: chr12-120739176-G-A. GRCh37 (hg19) VCF-style: chr12-121176979-G-A.
Other names: c.1054G>A, p.Ala352Thr (NM_001302554.2); short protein forms A356T, A352T.
Identifiers: ClinVar variation 555291 (VCV000555291.7), dbSNP rs768733898, ClinGen allele CA244495195.

ClinVar aggregate classification (germline): Uncertain significance. Review status: criteria provided, single submitter (1 of 4 stars). 2 submissions from 2 submitters: Uncertain significance (1). 1 of the submissions does not count toward it. Last evaluated 2022-05-03.

Conditions:
Deficiency of butyryl-CoA dehydrogenase (ACADSD). Also called: ACADS DEFICIENCY; SCADH DEFICIENCY; SCAD DEFICIENCY, MILD; ACYL-CoA DEHYDROGENASE, SHORT-CHAIN, DEFICIENCY OF; Short-Chain Acyl-CoA Dehydrogenase Deficiency; SCAD Deficiency. Identifiers: Orphanet 26792, MedGen C0342783, MONDO:0008722, OMIM 201470. Disease mechanism: May be benign.

Allele frequency attached by ClinVar (database versions not stated): TOPMed below 0.00001; gnomAD exomes 0.00001.
gnomAD v4.1: 16 of 1,613,024 alleles (0.00099%); highest among the groups gnomAD compares: Non-Finnish European, 0.0014%; no homozygotes.

Submissions (2):

Labcorp Genetics (formerly Invitae), Labcorp
Classification: Uncertain significance for Deficiency of butyryl-CoA dehydrogenase. Last evaluated: 2022-05-03. Review status: criteria provided, single submitter. Criteria: Invitae Variant Classification Sherloc (09022015). Collection method: clinical testing. Allele origin: germline.
Comment: In summary, the available evidence is currently insufficient to determine the role of this variant in disease. Therefore, it has been classified as a Variant of Uncertain Significance. Advanced modeling of protein sequence and biophysical properties (such as structural, functional, and spatial information, amino acid conservation, physicochemical variation, residue mobility, and thermodynamic stability) performed at Invitae indicates that this missense variant is expected to disrupt ACADS protein function. ClinVar contains an entry for this variant (Variation ID: 555291). This missense change has been observed in individual(s) with ACADS-related conditions (PMID: 28263315). This variant is not present in population databases (gnomAD no frequency). This sequence change replaces alanine, which is neutral and non-polar, with threonine, which is neutral and polar, at codon 356 of the ACADS protein (p.Ala356Thr).

Counsyl
Classification: Uncertain significance for Deficiency of butyryl-CoA dehydrogenase. Last evaluated: 2017-11-30. Review status: no assertion criteria provided. Collection method: clinical testing. Allele origin: unknown. Not counted in ClinVar's aggregate classification.

Literature cited by the submitters: PubMed 28263315 (cited by Labcorp Genetics (formerly Invitae), Labcorp and Counsyl).